The following is an entry in ClinVar:

ClinVar aggregate classification (germline): Likely pathogenic (1 of 4 stars; one submission).

Conditions:
Basilicata-Akhtar syndrome. Also called: MENTAL RETARDATION, X-LINKED, SYNDROMIC, BASILICATA-AKHTAR TYPE; INTELLECTUAL DEVELOPMENTAL DISORDER, X-LINKED, SYNDROMIC, 36. Identifiers: MedGen C5231394, MONDO:0026730, OMIM 301032.

Submission:

3billion
Classification: Likely pathogenic for Basilicata-Akhtar syndrome. Last evaluated: 2026-01-20. Review status: criteria provided, single submitter. Criteria: ACMG Guidelines, 2015. Collection method: clinical testing. Allele origin: germline. Affected: yes.
Comment: The variant is not observed in the gnomAD v4.1.0 dataset. Predicted Consequence/Location: Canonical splice site: predicted to alter splicing and result in a loss or disruption of normal protein function. Multiple pathogenic loss-of-function variants are reported downstream of the variant. In silico tools predict the variant to alter splicing and produce an abnormal transcript [SpliceAI: 0.93 (spliceogenicity >=0.2, non-spliceogenicity <0.1)]. Therefore, this variant is classified as Likely pathogenic according to the recommendation of ACMG/AMP guideline.

NM_078629.4(MSL3):c.1171+1G>C

Gene: MSL3 (MSL complex subunit 3; plus strand). Cytogenetic location: Xp22.2.
Variant type: single nucleotide variant.
Coding change: c.1171+1G>C on transcript NM_078629.4 (MANE Select); the canonical splice donor site of the intron after coding-DNA position 1171, G replaced by C.
Molecular consequence: splice donor variant. On other transcripts: missense variant (1).
Genome position (GRCh38, 1-based): chrX:11,765,730, G>C. VCF-style: chrX-11765730-G-C. GRCh37 (hg19) VCF-style: chrX-11783849-G-C.
Other names: c.1172G>C, p.Ser391Thr (NM_078628.2); c.724+1G>C (NM_001282174.1); c.1135+1G>C (NM_001193270.2); c.673+1G>C (NM_006800.4); short protein forms S391T.
Identifiers: ClinVar variation 4854614 (VCV004854614.1).